The following is an entry in ClinVar:

ClinVar aggregate classification (germline): Pathogenic (1 of 4 stars; one submission).

Submission:

GeneDx
Classification: Pathogenic. Last evaluated: 2015-04-21. Review status: criteria provided, single submitter. Criteria: GeneDx Variant Classification (06012015). Collection method: clinical testing. Allele origin: germline. Affected: yes.
Comment: The K525Q variant in the OCRL gene has not been published previously as a pathogenic variant noras a benign polymorphism, to our knowledge. The K525Qvariant was not observedin approximately 6500 individuals of European and African American ancestry in the NHLBI ExomeSequencing Project, indicating it is not a common benign variant in these populations. The K525Q variant is asemi-conservative amino acid substitution, which may impact secondary protein structure as these residuesdiffer in some properties. This substitution occurs at a position that is highly conserved across species, and islocated within one of the 5-phosphatase domains of the protein. In silico analysis predicts this variant isprobably damaging to the protein structure/function.. Missense variants in adjacent residues (H524R/Q andP526T/S/L) have been reported in the Human Gene Mutation Database in association with Lowe syndromeand Dent disease (Stenson et al., 2014), supporting the functional importance of this region of the protein. Based on this, we interpret K525Q as a pathogenic variant.

NM_000276.4(OCRL):c.1573A>C (p.Lys525Gln)

Gene: OCRL (OCRL inositol polyphosphate-5-phosphatase; plus strand). Cytogenetic location: Xq26.1.
Variant type: single nucleotide variant.
Coding change: c.1573A>C on transcript NM_000276.4 (MANE Select); coding-DNA position 1573, A replaced by C.
Protein change: p.Lys525Gln; replaces lysine 525 with glutamine.
Molecular consequence: missense variant.
Genome position (GRCh38, 1-based): chrX:129,569,370, A>C. VCF-style: chrX-129569370-A-C. GRCh37 (hg19) VCF-style: chrX-128703347-A-C.
Other names: c.1576A>C, p.Lys526Gln (NM_001318784.2); c.1573A>C, p.Lys525Gln (NM_001587.4); short protein forms K525Q, K526Q.
Identifiers: ClinVar variation 379480 (VCV000379480.2), dbSNP rs1057520613, ClinGen allele CA16608262.